The following is an entry in ClinVar:

ClinVar aggregate classification (germline): Uncertain significance (1 of 4 stars; one submission).

Conditions:
Hereditary cancer-predisposing syndrome. Also called: Neoplastic Syndromes, Hereditary; Tumor predisposition; Hereditary Cancer Syndrome; Hereditary neoplastic syndrome. Identifiers: Orphanet 140162, MedGen C0027672, MeSH D009386, MONDO:0015356.

gnomAD v4.1: 1 of 1,335,394 alleles (0.000075%); highest among the groups gnomAD compares: Non-Finnish European, 0.00011%; no homozygotes.

Submission:

Ambry Genetics
Classification: Uncertain significance for Hereditary cancer-predisposing syndrome. Last evaluated: 2026-03-12. Review status: criteria provided, single submitter. Criteria: Ambry Variant Classification Scheme 2023. Collection method: clinical testing. Allele origin: germline.
Comment: The p.E777* variant (also known as c.2329G>T), located in coding exon 16 of the PDGFRA gene, results from a G to T substitution at nucleotide position 2329. This changes the amino acid from a glutamic acid to a stop codon within coding exon 16. This variant is expected to result in protein truncation or nonsense-mediated mRNA decay. However, loss of function has not been established as a mechanism of disease. Based on the available evidence, the clinical significance of this variant remains unclear.

NM_006206.6(PDGFRA):c.2329G>T (p.Glu777Ter)

Gene: PDGFRA (platelet derived growth factor receptor alpha; plus strand). Cytogenetic location: 4q12.
Variant type: single nucleotide variant.
Coding change: c.2329G>T on transcript NM_006206.6 (MANE Select); coding-DNA position 2329, G replaced by T.
Protein change: p.Glu777Ter; replaces glutamic acid 777 with a stop codon.
Molecular consequence: nonsense.
Genome position (GRCh38, 1-based): chr4:54,285,376, G>T. VCF-style: chr4-54285376-G-T. GRCh37 (hg19) VCF-style: chr4-55151543-G-T.
Other names: c.2404G>T, p.Glu802Ter (NM_001347828.2); c.2329G>T, p.Glu777Ter (NM_001347829.2); c.2368G>T, p.Glu790Ter (NM_001347830.2); short protein forms E802*, E790*, E777*.
Identifiers: ClinVar variation 4827558 (VCV004827558.1).